The following is an entry in ClinVar:

NM_032444.4(SLX4):c.3841G>A (p.Gly1281Arg)

Gene: SLX4 (SLX4 structure-specific endonuclease subunit; minus strand). Cytogenetic location: 16p13.3.
Variant type: single nucleotide variant.
Coding change: c.3841G>A on transcript NM_032444.4 (MANE Select); coding-DNA position 3841, G replaced by A.
Protein change: p.Gly1281Arg; replaces glycine 1281 with arginine.
Molecular consequence: missense variant.
Genome position (GRCh38, 1-based): chr16:3,589,797, C>T on the plus strand (G>A on the coding strand, the complement: SLX4 is on the minus strand). VCF-style: chr16-3589797-C-T. GRCh37 (hg19) VCF-style: chr16-3639798-C-T.
Other names: c.3841G>A (LRG_503t1); short protein forms G1281R.
Identifiers: ClinVar variation 319157 (VCV000319157.10), dbSNP rs754996241, ClinGen allele CA7865820.

ClinVar aggregate classification (germline): Uncertain significance. Review status: criteria provided, multiple submitters, no conflicts (2 of 4 stars). 3 submissions from 3 submitters: Uncertain significance (3). Last evaluated 2024-03-19.

Conditions:
Fanconi anemia complementation group P. Also called: SLX4-Related Fanconi Anemia. Identifiers: Orphanet 84, MedGen C3469542, MONDO:0013499, OMIM 613951.
Fanconi anemia (FA). Also called: Fanconi's anemia. Identifiers: Orphanet 84, MedGen C0015625, MeSH D005199, MONDO:0019391.

Allele frequency attached by ClinVar (database versions not stated): gnomAD exomes 0.00001; ExAC 0.00002; TOPMed 0.00003; gnomAD 0.00004 and 0.00005.
gnomAD v4.1: 42 of 1,613,256 alleles (0.0026%); highest among the groups gnomAD compares: South Asian, 0.0033%; no homozygotes.

Submissions (3):

Fulgent Genetics
Classification: Uncertain significance for Fanconi anemia complementation group P. Last evaluated: 2024-03-19. Review status: criteria provided, single submitter. Criteria: ACMG Guidelines, 2015. Collection method: clinical testing. Allele origin: germline.

Labcorp Genetics (formerly Invitae), Labcorp
Classification: Uncertain significance for Fanconi anemia. Last evaluated: 2024-01-04. Review status: criteria provided, single submitter. Criteria: Invitae Variant Classification Sherloc (09022015). Collection method: clinical testing. Allele origin: germline.
Comment: This sequence change replaces glycine, which is neutral and non-polar, with arginine, which is basic and polar, at codon 1281 of the SLX4 protein (p.Gly1281Arg). This variant is present in population databases (rs754996241, gnomAD 0.006%). This variant has not been reported in the literature in individuals affected with SLX4-related conditions. ClinVar contains an entry for this variant (Variation ID: 319157). Algorithms developed to predict the effect of missense changes on protein structure and function output the following: SIFT: "Not Available"; PolyPhen-2: "Benign"; Align-GVGD: "Not Available". The arginine amino acid residue is found in multiple mammalian species, which suggests that this missense change does not adversely affect protein function. In summary, the available evidence is currently insufficient to determine the role of this variant in disease. Therefore, it has been classified as a Variant of Uncertain Significance.

Illumina Laboratory Services, Illumina
Classification: Uncertain significance for Fanconi anemia complementation group P. Last evaluated: 2018-01-12. Review status: criteria provided, single submitter. Criteria: ICSL Variant Classification Criteria 13 December 2019. Collection method: clinical testing. Allele origin: germline.